The following is an entry in ClinVar:

NM_004130.4(GYG1):c.7+316G>A

Genes: GYG1 (glycogenin 1; plus strand), LOC129937737 (ATAC-STARR-seq lymphoblastoid silent region 14802; plus strand). Cytogenetic location: 3q24.
Variant type: single nucleotide variant.
Coding change: c.7+316G>A on transcript NM_004130.4 (MANE Select); 316 bases into the intron after coding-DNA position 7, G replaced by A.
Molecular consequence: intron variant.
Genome position (GRCh38, 1-based): chr3:148,991,963, G>A. VCF-style: chr3-148991963-G-A. GRCh37 (hg19) VCF-style: chr3-148709750-G-A.
Other names: c.7+316G>A (NM_001184720.2, NM_001184721.2).
Identifiers: ClinVar variation 672471 (VCV000672471.1), dbSNP rs184809862, ClinGen allele CA85544448.

ClinVar aggregate classification (germline): Benign (1 of 4 stars; one submission).

Allele frequency attached by ClinVar (database versions not stated): 1000 Genomes Project 0.02815; gnomAD 0.02950 and 0.03173; 1000 Genomes Project 30x 0.03045; TOPMed 0.03203.
gnomAD v4.1: 4,436 of 152,228 alleles (2.9%); highest among the groups gnomAD compares: African/African-American, 10%; 231 homozygotes.

Submission:

GeneDx
Classification: Benign. Last evaluated: 2018-06-14. Review status: criteria provided, single submitter. Criteria: GeneDx Variant Classification (06012015). Collection method: clinical testing. Allele origin: germline. Affected: yes.
Comment: This variant is considered likely benign or benign based on one or more of the following criteria: it is a conservative change, it occurs at a poorly conserved position in the protein, it is predicted to be benign by multiple in silico algorithms, and/or has population frequency not consistent with disease.